The following is an entry in ClinVar:

ClinVar aggregate classification (germline): Benign/Likely benign. Review status: criteria provided, multiple submitters, no conflicts (2 of 4 stars). 4 submissions from 4 submitters: Benign (1); Likely benign (3). Last evaluated 2025-02-24.

Conditions:
Hereditary cancer-predisposing syndrome. Also called: Hereditary Cancer Syndrome; Neoplastic Syndromes, Hereditary; Tumor predisposition; Hereditary neoplastic syndrome. Identifiers: Orphanet 140162, MedGen C0027672, MeSH D009386, MONDO:0015356.
Breast-ovarian cancer, familial, susceptibility to, 4. Identifiers: Orphanet 145, MedGen C3280345, MONDO:0013669, OMIM 614291.

Submissions (4):

Myriad Genetics, Inc.
Classification: Benign for Breast-ovarian cancer, familial, susceptibility to, 4. Last evaluated: 2025-02-24. Review status: criteria provided, single submitter. Criteria: Myriad Autosomal Dominant, Autosomal Recessive and X-Linked Classification Criteria (2023). Collection method: clinical testing. Allele origin: unknown.
Comment: This variant is considered benign. This variant is a silent/synonymous amino acid change and it is not expected to impact splicing.

Color Diagnostics, LLC DBA Color Health
Classification: Likely benign for Hereditary cancer-predisposing syndrome. Last evaluated: 2023-12-05. Review status: criteria provided, single submitter. Criteria: ACMG Guidelines, 2015. Collection method: clinical testing. Allele origin: germline.

Labcorp Genetics (formerly Invitae), Labcorp
Classification: Likely benign for Breast-ovarian cancer, familial, susceptibility to, 4. Last evaluated: 2022-06-09. Review status: criteria provided, single submitter. Criteria: Invitae Variant Classification Sherloc (09022015). Collection method: clinical testing. Allele origin: germline.

Ambry Genetics
Classification: Likely benign for Hereditary cancer-predisposing syndrome. Last evaluated: 2020-03-12. Review status: criteria provided, single submitter. Criteria: Ambry Variant Classification Scheme 2023. Collection method: clinical testing. Allele origin: germline.

NM_002878.4(RAD51D):c.531G>A (p.Gln177=)

Genes: RAD51L3-RFFL (RAD51L3-RFFL readthrough; minus strand), RAD51D (RAD51 paralog D; minus strand). Cytogenetic location: 17q12.
Variant type: single nucleotide variant.
Coding change: c.531G>A on transcript NM_002878.4 (MANE Select); coding-DNA position 531, G replaced by A.
Protein change: p.Gln177=; no amino-acid change (glutamine 177 retained).
Molecular consequence: synonymous variant. On other transcripts: non-coding transcript variant (3).
Genome position (GRCh38, 1-based): chr17:35,106,431, C>T on the plus strand (G>A on the coding strand, the complement: RAD51D is on the minus strand). VCF-style: chr17-35106431-C-T. GRCh37 (hg19) VCF-style: chr17-33433450-C-T.
Other names: c.591G>A, p.Gln197= (NM_001142571.2); c.195G>A, p.Gln65= (NM_133629.3).
Identifiers: ClinVar variation 490143 (VCV000490143.14), dbSNP rs1555568143, ClinGen allele CA499731589.